The following is an entry in ClinVar:

ClinVar aggregate classification (germline): Uncertain significance. Review status: criteria provided, multiple submitters, no conflicts (2 of 4 stars). 2 submissions from 2 submitters: Uncertain significance (2). Last evaluated 2024-01-28.

Conditions:
Charcot-Marie-Tooth disease type 2. Also called: Charcot-Marie-Tooth type 2. Identifiers: Orphanet 64746, MedGen C0270914, MONDO:0018993.

Submissions (2):

Labcorp Genetics (formerly Invitae), Labcorp
Classification: Uncertain significance for Charcot-Marie-Tooth disease type 2. Last evaluated: 2024-01-28. Review status: criteria provided, single submitter. Criteria: Invitae Variant Classification Sherloc (09022015). Collection method: clinical testing. Allele origin: germline.
Comment: This sequence change replaces proline, which is neutral and non-polar, with serine, which is neutral and polar, at codon 940 of the KIF1B protein (p.Pro940Ser). This variant is not present in population databases (gnomAD no frequency). This variant has not been reported in the literature in individuals affected with KIF1B-related conditions. ClinVar contains an entry for this variant (Variation ID: 1796393). Advanced modeling of protein sequence and biophysical properties (such as structural, functional, and spatial information, amino acid conservation, physicochemical variation, residue mobility, and thermodynamic stability) performed at Invitae indicates that this missense variant is not expected to disrupt KIF1B protein function with a negative predictive value of 80%. In summary, the available evidence is currently insufficient to determine the role of this variant in disease. Therefore, it has been classified as a Variant of Uncertain Significance.

Ambry Genetics
Classification: Uncertain significance. Last evaluated: 2023-12-17. Review status: criteria provided, single submitter. Criteria: Ambry Variant Classification Scheme 2023. Collection method: clinical testing. Allele origin: germline.
Comment: The p.P940S variant (also known as c.2818C>T), located in coding exon 25 of the KIF1B gene, results from a C to T substitution at nucleotide position 2818. The proline at codon 940 is replaced by serine, an amino acid with similar properties. This amino acid position is conserved. In addition, this alteration is predicted to be tolerated by in silico analysis. Since supporting evidence is limited at this time, the clinical significance of this alteration remains unclear.

NM_001365951.3(KIF1B):c.2956C>T (p.Pro986Ser)

Gene: KIF1B (kinesin family member 1B; plus strand). Cytogenetic location: 1p36.22.
Variant type: single nucleotide variant.
Coding change: c.2956C>T on transcript NM_001365951.3 (MANE Select); coding-DNA position 2956, C replaced by T.
Protein change: p.Pro986Ser; replaces proline 986 with serine.
Molecular consequence: missense variant.
Genome position (GRCh38, 1-based): chr1:10,334,551, C>T. VCF-style: chr1-10334551-C-T. GRCh37 (hg19) VCF-style: chr1-10394609-C-T.
Other names: c.2956C>T, p.Pro986Ser (NM_001365952.1); c.2818C>T, p.Pro940Ser (NM_015074.3); short protein forms P986S, P940S.
Identifiers: ClinVar variation 1796393 (VCV001796393.5), dbSNP rs2521700232, ClinGen allele CA338338634.